The following is an entry in ClinVar:

NM_003238.6(TGFB2):c.1019G>A (p.Gly340Glu)

Gene: TGFB2 (transforming growth factor beta 2; plus strand). Cytogenetic location: 1q41.
Variant type: single nucleotide variant.
Coding change: c.1019G>A on transcript NM_003238.6 (MANE Select); coding-DNA position 1019, G replaced by A.
Protein change: p.Gly340Glu; replaces glycine 340 with glutamic acid.
Molecular consequence: missense variant. On other transcripts: non-coding transcript variant (2).
Genome position (GRCh38, 1-based): chr1:218,437,429, G>A. VCF-style: chr1-218437429-G-A. GRCh37 (hg19) VCF-style: chr1-218610771-G-A.
Other names: c.1103G>A, p.Gly368Glu (NM_001135599.4); short protein forms G340E, G368E.
Identifiers: ClinVar variation 4763758 (VCV004763758.2).

ClinVar aggregate classification (germline): Conflicting classifications of pathogenicity. Review status: criteria provided, conflicting classifications (1 of 4 stars). 2 submissions from 2 submitters: Likely pathogenic (1); Uncertain significance (1). Last evaluated 2025-12-22.

Conditions:
TGFB2-related disorder. Also called: TGFB2-related condition.
Loeys-Dietz syndrome 4 (LDS4). Also called: ANEURYSM, AORTIC AND CEREBRAL, WITH ARTERIAL TORTUOSITY AND SKELETAL MANIFESTATIONS; TGFB2-Related Loeys-Dietz Syndrome. Identifiers: MedGen C3553762, MONDO:0013897, OMIM 614816.

gnomAD v4.1: 2 of 1,613,402 alleles (0.00012%); highest among the groups gnomAD compares: Non-Finnish European, 0.00017%; no homozygotes.

Submissions (2):

Labcorp Genetics (formerly Invitae), Labcorp
Classification: Uncertain significance for Loeys-Dietz syndrome 4. Last evaluated: 2025-12-22. Review status: criteria provided, single submitter. Criteria: Invitae Variant Classification Sherloc (09022015). Collection method: clinical testing. Allele origin: germline.
Comment: This sequence change replaces glycine, which is neutral and non-polar, with glutamic acid, which is acidic and polar, at codon 340 of the TGFB2 protein (p.Gly340Glu). This variant is present in population databases (rs745859904, gnomAD 0.0009%). This missense change has been observed in individual(s) with Loeys Dietz syndrome (PMID: 32307099, 34916229). Invitae Evidence Modeling of protein sequence and biophysical properties (such as structural, functional, and spatial information, amino acid conservation, physicochemical variation, residue mobility, and thermodynamic stability) indicates that this missense variant is not expected to disrupt TGFB2 protein function with a negative predictive value of 80%. In summary, the available evidence is currently insufficient to determine the role of this variant in disease. Therefore, it has been classified as a Variant of Uncertain Significance.

Blueprint Genetics
Classification: Likely pathogenic for TGFB2-related disorders. Last evaluated: 2022-09-09. Review status: criteria provided, single submitter. Criteria: ACMG Guidelines, 2015. Collection method: clinical testing. Allele origin: germline. Affected: yes. Observed: 1 variant allele.

Literature cited by the submitters: PubMed 32307099 (cited by Labcorp Genetics (formerly Invitae), Labcorp); PubMed 34916229 (cited by Labcorp Genetics (formerly Invitae), Labcorp).